The following is an entry in ClinVar:

NM_020159.5(SMARCAD1):c.594T>C (p.Phe198=)

Gene: SMARCAD1 (SNF2 related chromatin remodeling ATPase with DExD box 1; plus strand). Cytogenetic location: 4q22.3.
Variant type: single nucleotide variant.
Coding change: c.594T>C on transcript NM_020159.5 (MANE Select); coding-DNA position 594, T replaced by C.
Protein change: p.Phe198=; no amino-acid change (phenylalanine 198 retained).
Molecular consequence: synonymous variant. On other transcripts: non-coding transcript variant (17).
Genome position (GRCh38, 1-based): chr4:94,237,008, T>C. VCF-style: chr4-94237008-T-C. GRCh37 (hg19) VCF-style: chr4-95158159-T-C.
Other names: c.594T>C, p.Phe198= (NM_001128429.3, NM_001128430.2, NM_001375855.1 and 2 more transcripts); c.591T>C, p.Phe197= (NM_001375857.1).
Identifiers: ClinVar variation 3048860 (VCV003048860.2), dbSNP rs138441912, ClinGen allele CA3013107.

ClinVar aggregate classification (germline): Likely benign (0 of 4 stars; one submission).

Conditions:
SMARCAD1-related disorder. Also called: SMARCAD1-related condition.

Allele frequency attached by ClinVar (database versions not stated): gnomAD exomes 0.00002; gnomAD 0.00031; ESP Exome Variant Server 0.00038; TOPMed 0.00040; ExAC 0.00008.
gnomAD v4.1: 91 of 1,613,268 alleles (0.0056%); highest among the groups gnomAD compares: African/African-American, 0.1%; 1 homozygote.

Submission:

PreventionGenetics, part of Exact Sciences
Classification: Likely benign for SMARCAD1-related condition. Last evaluated: 2019-02-21. Review status: no assertion criteria provided. Collection method: clinical testing. Allele origin: germline.
Comment: This variant is classified as likely benign based on ACMG/AMP sequence variant interpretation guidelines (Richards et al. 2015 PMID: 25741868, with internal and published modifications).